The following is an entry in ClinVar:

ClinVar aggregate classification (germline): Benign. Review status: criteria provided, multiple submitters, no conflicts (2 of 4 stars). 3 submissions from 3 submitters: Benign (2). 1 of the submissions does not count toward it. Last evaluated 2026-01-12.

Conditions:
ADGRA3-related disorder. Also called: ADGRA3-related condition.

Allele frequency attached by ClinVar (database versions not stated): ExAC 0.00058; gnomAD 0.00179 and 0.00187; TOPMed 0.00191; 1000 Genomes Project 0.00240; ESP Exome Variant Server 0.00246; 1000 Genomes Project 30x 0.00281.
gnomAD v4.1: 551 of 1,557,824 alleles (0.035%); highest among the groups gnomAD compares: African/African-American, 0.6%; no homozygotes.

Submissions (3):

Labcorp Genetics (formerly Invitae), Labcorp
Classification: Benign. Last evaluated: 2026-01-12. Review status: criteria provided, single submitter. Criteria: Invitae Variant Classification Sherloc (09022015). Collection method: clinical testing. Allele origin: germline.

Breakthrough Genomics
Classification: Benign. Review status: criteria provided, single submitter. Criteria: ACMG Guidelines, 2015. Collection method: not provided. Allele origin: germline. Inheritance: Unknown mechanism. Affected: yes.

PreventionGenetics, part of Exact Sciences
Classification: Likely benign for ADGRA3-related condition. Last evaluated: 2019-08-28. Review status: no assertion criteria provided. Collection method: clinical testing. Allele origin: germline. Not counted in ClinVar's aggregate classification.
Comment: This variant is classified as likely benign based on ACMG/AMP sequence variant interpretation guidelines (Richards et al. 2015 PMID: 25741868, with internal and published modifications).

NM_145290.4(ADGRA3):c.478C>A (p.Leu160Ile)

Gene: ADGRA3 (adhesion G protein-coupled receptor A3; minus strand). Cytogenetic location: 4p15.2.
Variant type: single nucleotide variant.
Coding change: c.478C>A on transcript NM_145290.4 (MANE Select); coding-DNA position 478, C replaced by A.
Protein change: p.Leu160Ile; replaces leucine 160 with isoleucine.
Molecular consequence: missense variant.
Genome position (GRCh38, 1-based): chr4:22,447,507, G>T on the plus strand (C>A on the coding strand, the complement: ADGRA3 is on the minus strand). VCF-style: chr4-22447507-G-T. GRCh37 (hg19) VCF-style: chr4-22449130-G-T.
Other names: c.478C>A (NM_145290.3); short protein forms L160I.
Identifiers: ClinVar variation 1169420 (VCV001169420.10), dbSNP rs114895475, ClinGen allele CA2874241.
Genomic context (GRCh38, chr4:22,447,507, plus strand): 5'-GTAATGACGCAAGATAATCAAAAGTTCCTTGAGATAATGAAGAAAACAAATTCCCCGAAA[G>T]GTTTCTGAAAGACAGAAAACAATTTCACTTTTAAAAATACAATTATCTATCATTTTATCC-3'
Protein context (NP_660333.2, residues 150-170): RGLTNLVRLN[Leu160Ile]SGNLFSSLSQ